The following is an entry in ClinVar:

ClinVar aggregate classification (germline): Uncertain significance (1 of 4 stars; one submission).

Conditions:
Autosomal dominant hypocalcemia 1 (HYPOC1). Also called: HYPOCALCEMIA, FAMILIAL. Identifiers: MedGen C3715128, MONDO:0011013, OMIM 601198.
Familial hypocalciuric hypercalcemia (FHH). Also called: Familial benign hypercalcemia. Identifiers: Orphanet 405, MedGen C1809471, MONDO:0018458.

gnomAD v4.1: 2 of 1,613,610 alleles (0.00012%); highest among the groups gnomAD compares: East Asian, 0.0022%; no homozygotes.

Submission:

Labcorp Genetics (formerly Invitae), Labcorp
Classification: Uncertain significance for Familial hypocalciuric hypercalcemia; Autosomal dominant hypocalcemia 1. Last evaluated: 2025-04-02. Review status: criteria provided, single submitter. Criteria: Invitae Variant Classification Sherloc (09022015). Collection method: clinical testing. Allele origin: germline.
Comment: This sequence change replaces proline, which is neutral and non-polar, with serine, which is neutral and polar, at codon 672 of the CASR protein (p.Pro672Ser). This variant is not present in population databases (gnomAD no frequency). This variant has not been reported in the literature in individuals affected with CASR-related conditions. ClinVar contains an entry for this variant (Variation ID: 1021593). An algorithm developed to predict the effect of missense changes on protein structure and function (PolyPhen-2) suggests that this variant is likely to be disruptive. In summary, the available evidence is currently insufficient to determine the role of this variant in disease. Therefore, it has been classified as a Variant of Uncertain Significance.

NM_000388.4(CASR):c.2014C>T (p.Pro672Ser)

Gene: CASR (calcium sensing receptor; plus strand). Cytogenetic location: 3q21.1.
Variant type: single nucleotide variant.
Coding change: c.2014C>T on transcript NM_000388.4 (MANE Select); coding-DNA position 2014, C replaced by T.
Protein change: p.Pro672Ser; replaces proline 672 with serine.
Molecular consequence: missense variant.
Genome position (GRCh38, 1-based): chr3:122,283,968, C>T. VCF-style: chr3-122283968-C-T. GRCh37 (hg19) VCF-style: chr3-122002815-C-T.
Other names: c.2044C>T, p.Pro682Ser (NM_001178065.2); short protein forms P672S, P682S.
Identifiers: ClinVar variation 1021593 (VCV001021593.9), dbSNP rs193922431, ClinGen allele CA354158305.
Genomic context (GRCh38, chr3:122,283,968, plus strand): 5'-TACCTCCTCCTCTTCTCCCTGCTCTGCTGCTTCTCCAGCTCCCTGTTCTTCATCGGGGAG[C>T]CCCAGGACTGGACGTGCCGCCTGCGCCAGCCGGCCTTTGGCATCAGCTTCGTGCTCTGCA-3'
Protein context (NP_000379.3, residues 662-682): FSSSLFFIGE[Pro672Ser]QDWTCRLRQP